The following is an entry in ClinVar:

ClinVar aggregate classification (germline): Uncertain significance (1 of 4 stars; one submission).

gnomAD v4.1: 3 of 1,448,112 alleles (0.00021%); highest among the groups gnomAD compares: South Asian, 0.0014%; no homozygotes.

Submission:

Ambry Genetics
Classification: Uncertain significance. Last evaluated: 2025-05-24. Review status: criteria provided, single submitter. Criteria: Ambry Variant Classification Scheme 2023. Collection method: clinical testing. Allele origin: germline.
Comment: The p.A64V variant (also known as c.191C>T), located in coding exon 1 of the PALLD gene, results from a C to T substitution at nucleotide position 191. The alanine at codon 64 is replaced by valine, an amino acid with similar properties. This amino acid position is conserved. In addition, this alteration is predicted to be tolerated by in silico analysis. Based on the available evidence, the clinical significance of this variant remains unclear.

NM_001166108.2(PALLD):c.1965-12840C>T

Gene: PALLD (palladin, cytoskeletal associated protein; plus strand). Cytogenetic location: 4q32.3.
Variant type: single nucleotide variant.
Coding change: c.1965-12840C>T on transcript NM_001166108.2 (MANE Select); 12840 bases into the intron before coding-DNA position 1965, C replaced by T.
Molecular consequence: intron variant. On other transcripts: missense variant (1).
Genome position (GRCh38, 1-based): chr4:168,878,082, C>T. VCF-style: chr4-168878082-C-T. GRCh37 (hg19) VCF-style: chr4-169799233-C-T.
Other names: c.191C>T, p.Ala64Val (NM_001166110.2); c.1965-12840C>T (NM_016081.4); c.819-12840C>T (NM_001166109.2); c.-157-12840C>T (NM_001367570.1, NM_001367568.1, NM_001367567.1 and 1 more transcripts); short protein forms A64V.
Identifiers: ClinVar variation 3927558 (VCV003927558.1).